The following is an entry in ClinVar:

ClinVar aggregate classification (germline): Conflicting classifications of pathogenicity. Review status: criteria provided, conflicting classifications (1 of 4 stars). 2 submissions from 2 submitters: Likely pathogenic (1); Uncertain significance (1). Last evaluated 2024-07-01.

Conditions:
Neurofibromatosis, type 1 (NF1). Also called: VON RECKLINGHAUSEN DISEASE; Neurofibromatosis, type I; Peripheral type neurofibromatosis; NEUROFIBROMATOSIS, TYPE I, SOMATIC. Identifiers: Orphanet 636, MedGen C0027831, MONDO:0018975, OMIM 162200. Disease mechanism: loss of function.
Hereditary cancer-predisposing syndrome. Also called: Hereditary neoplastic syndrome; Neoplastic Syndromes, Hereditary; Hereditary Cancer Syndrome; Tumor predisposition. Identifiers: Orphanet 140162, MedGen C0027672, MeSH D009386, MONDO:0015356.
Cardiovascular phenotype. Identifiers: MedGen CN230736.

Submissions (2):

NHS Central & South Genomic Laboratory Hub
Classification: Likely pathogenic for Neurofibromatosis type 1. Last evaluated: 2024-07-01. Review status: criteria provided, single submitter. Criteria: ACMG Guidelines, 2015. Collection method: clinical testing. Allele origin: germline. Affected: yes.

Ambry Genetics
Classification: Uncertain significance for Cardiovascular phenotype; Hereditary cancer-predisposing syndrome. Last evaluated: 2024-06-26. Review status: criteria provided, single submitter. Criteria: Ambry Variant Classification Scheme 2023. Collection method: clinical testing. Allele origin: germline.
Comment: The p.L1183Q variant (also known as c.3548T>A), located in coding exon 27 of the NF1 gene, results from a T to A substitution at nucleotide position 3548. The leucine at codon 1183 is replaced by glutamine, an amino acid with dissimilar properties. This amino acid position is conserved. In addition, this alteration is predicted to be deleterious by in silico analysis. Based on the available evidence, the clinical significance of this variant remains unclear.

NM_001042492.3(NF1):c.3548T>A (p.Leu1183Gln)

Gene: NF1 (neurofibromin 1; plus strand). Cytogenetic location: 17q11.2.
Variant type: single nucleotide variant.
Coding change: c.3548T>A on transcript NM_001042492.3 (MANE Select); coding-DNA position 3548, T replaced by A.
Protein change: p.Leu1183Gln; replaces leucine 1183 with glutamine.
Molecular consequence: missense variant.
Genome position (GRCh38, 1-based): chr17:31,233,053, T>A. VCF-style: chr17-31233053-T-A. GRCh37 (hg19) VCF-style: chr17-29560071-T-A.
Other names: c.3548T>A, p.Leu1183Gln (NM_000267.4); short protein forms L1183Q.
Identifiers: ClinVar variation 3248544 (VCV003248544.2), dbSNP rs1555615028.